The following is an entry in ClinVar:

ClinVar aggregate classification (germline): Uncertain significance (1 of 4 stars; one submission).

Allele frequency attached by ClinVar (database versions not stated): gnomAD 0.00001; ExAC 0.00002; gnomAD exomes 0.00002; TOPMed 0.00002; ESP Exome Variant Server 0.00008.
gnomAD v4.1: 29 of 1,613,364 alleles (0.0018%); highest among the groups gnomAD compares: Middle Eastern, 0.016%; no homozygotes.

Submission:

Ambry Genetics
Classification: Uncertain significance. Last evaluated: 2023-09-29. Review status: criteria provided, single submitter. Criteria: Ambry Variant Classification Scheme 2023. Collection method: clinical testing. Allele origin: germline.
Comment: The p.I191T variant (also known as c.572T>C), located in coding exon 4 of the POLQ gene, results from a T to C substitution at nucleotide position 572. The isoleucine at codon 191 is replaced by threonine, an amino acid with similar properties. This amino acid position is conserved. In addition, the in silico prediction for this alteration is inconclusive. Since supporting evidence is limited at this time, the clinical significance of this alteration remains unclear.

NM_199420.4(POLQ):c.572T>C (p.Ile191Thr)

Gene: POLQ (DNA polymerase theta; minus strand). Cytogenetic location: 3q13.33.
Variant type: single nucleotide variant.
Coding change: c.572T>C on transcript NM_199420.4 (MANE Select); coding-DNA position 572, T replaced by C.
Protein change: p.Ile191Thr; replaces isoleucine 191 with threonine.
Molecular consequence: missense variant.
Genome position (GRCh38, 1-based): chr3:121,539,492, A>G on the plus strand (T>C on the coding strand, the complement: POLQ is on the minus strand). VCF-style: chr3-121539492-A-G. GRCh37 (hg19) VCF-style: chr3-121258339-A-G.
Other names: short protein forms I191T.
Identifiers: ClinVar variation 1749325 (VCV001749325.2), dbSNP rs138477339, ClinGen allele CA2563776.
Genomic context (GRCh38, chr3:121,539,492, plus strand): 5'-CCTAACAGATCCATCTTATTTTCCTCTATGAGGCGATTGATCAGACCATTGGCTCTCTCA[A>G]TTGTGCAGACTGCAATATCCAATGAAGAGAAATGCCTTGATGGAGAGGTGCTGCCCATAT-3'
Protein context (NP_955452.3, residues 181-201): FSSLDIAVCT[Ile191Thr]ERANGLINRL